The following is an entry in ClinVar:

ClinVar aggregate classification (germline): Uncertain significance (1 of 4 stars; one submission).

Allele frequency attached by ClinVar (database versions not stated): gnomAD 0.00001; gnomAD exomes 0.00001 and 0.00002; TOPMed 0.00001.
gnomAD v4.1: 24 of 1,583,344 alleles (0.0015%); highest among the groups gnomAD compares: Middle Eastern, 0.017%; no homozygotes.

Submission:

Labcorp Genetics (formerly Invitae), Labcorp
Classification: Uncertain significance. Last evaluated: 2026-01-12. Review status: criteria provided, single submitter. Criteria: Invitae Variant Classification Sherloc (09022015). Collection method: clinical testing. Allele origin: germline.
Comment: This sequence change replaces lysine, which is basic and polar, with glutamic acid, which is acidic and polar, at codon 45 of the SAMD11 protein (p.Lys45Glu). This variant is present in population databases (no rsID available, gnomAD 0.002%). This missense change has been observed in individual(s) with retinitis pigmentosa (PMID: 27734943). ClinVar contains an entry for this variant (Variation ID: 1409578). An algorithm developed to predict the effect of missense changes on protein structure and function (PolyPhen-2) suggests that this variant is likely to be disruptive. In summary, the available evidence is currently insufficient to determine the role of this variant in disease. Therefore, it has been classified as a Variant of Uncertain Significance.

Literature cited by the submitters: PubMed 27734943.

NM_001385641.1(SAMD11):c.670A>G (p.Lys224Glu)

Gene: SAMD11 (sterile alpha motif domain containing 11; plus strand). Cytogenetic location: 1p36.33.
Variant type: single nucleotide variant.
Coding change: c.670A>G on transcript NM_001385641.1 (MANE Select); coding-DNA position 670, A replaced by G.
Protein change: p.Lys224Glu; replaces lysine 224 with glutamic acid.
Molecular consequence: missense variant.
Genome position (GRCh38, 1-based): chr1:930,215, A>G. VCF-style: chr1-930215-A-G. GRCh37 (hg19) VCF-style: chr1-865595-A-G.
Other names: c.670A>G, p.Lys224Glu (NM_001385640.1); c.133A>G, p.Lys45Glu (NM_152486.4); short protein forms K224E, K45E.
Identifiers: ClinVar variation 1409578 (VCV001409578.5), dbSNP rs903331232, ClinGen allele CA16706980.